The following is an entry in ClinVar:

ClinVar aggregate classification (germline): Conflicting classifications of pathogenicity. Review status: criteria provided, conflicting classifications (1 of 4 stars). 4 submissions from 4 submitters: Likely pathogenic (2); Uncertain significance (1). 1 of the submissions does not count toward it. Last evaluated 2026-08-19.

Conditions:
BCS1L-related disorder. Also called: BCS1L-related condition; BCS1L-related disorders. Identifiers: MedGen CN239240.
Mitochondrial complex III deficiency nuclear type 1. Identifiers: Orphanet 254902, MedGen C3541471, MONDO:0007415, OMIM 124000.

Allele frequency attached by ClinVar (database versions not stated): ExAC 0.00002; gnomAD 0.00003 and 0.00004; TOPMed 0.00004.

Submissions (4):

PreventionGenetics, part of Exact Sciences
Classification: Uncertain significance for BCS1L-related condition. Last evaluated: 2026-08-19. Review status: criteria provided, single submitter. Criteria: ACMG Guidelines, 2015. Collection method: clinical testing. Allele origin: germline.
Comment: The BCS1L c.269G>A variant is predicted to result in the amino acid substitution p.Arg90His. This variant has been reported with a second BCS1L variant in an individual from from a cohort of individuals with congenital anomalies or neurocognitive disorders (Supplementary Table 14, Slavotinek et al. 2023. PubMed ID: 37236975). No individual phenotypic information was provided. This variant is reported in 0.010% of alleles in individuals of East Asian descent in gnomAD. Another variant affecting the same amino acid (p.Arg90Cys) has been reported in an individuals with BCS1L-related disorders (Calvo et al. 2012. PubMed ID: 22277967). Although we suspect that this variant may be pathogenic, at this time, the clinical significance of this variant is uncertain due to the absence of conclusive functional and genetic evidence.

GeneDx
Classification: Likely pathogenic. Last evaluated: 2024-08-28. Review status: criteria provided, single submitter. Criteria: GeneDx Variant Classification Process June 2021. Collection method: clinical testing. Allele origin: germline. Affected: yes.
Comment: Identified with a second variant in an individual from a cohort of patients with suspected genetic disorders, however no clinical information was provided (PMID: 37236975); Not observed at significant frequency in large population cohorts (gnomAD); In silico analysis indicates that this missense variant does not alter protein structure/function; This variant is associated with the following publications: (PMID: 37236975)

Genomic Medicine Lab, University of California San Francisco
Classification: Likely pathogenic for Mitochondrial complex III deficiency nuclear type 1. Last evaluated: 2019-12-12. Review status: criteria provided, single submitter. Criteria: ACMG Guidelines, 2015. Collection method: clinical testing. Allele origin: unknown. Inheritance: Autosomal recessive inheritance. Affected: yes. Study: CSER-P3EGS.

Counsyl
Classification: Uncertain significance for Mitochondrial complex III deficiency nuclear type 1. Last evaluated: 2017-12-01. Review status: no assertion criteria provided. Collection method: clinical testing. Allele origin: unknown. Not counted in ClinVar's aggregate classification.

NM_001079866.2(BCS1L):c.269G>A (p.Arg90His)

Gene: BCS1L (BCS1 ubiquinol-cytochrome c reductase complex chaperone; plus strand). Cytogenetic location: 2q35.
Variant type: single nucleotide variant.
Coding change: c.269G>A on transcript NM_001079866.2 (MANE Select); coding-DNA position 269, G replaced by A.
Protein change: p.Arg90His; replaces arginine 90 with histidine.
Molecular consequence: missense variant. On other transcripts: 5 prime UTR variant (5), non-coding transcript variant (1), intron variant (3).
Genome position (GRCh38, 1-based): chr2:218,661,256, G>A. VCF-style: chr2-218661256-G-A. GRCh37 (hg19) VCF-style: chr2-219525979-G-A.
Other names: p.R90H:CGC>CAC; c.269G>A, p.Arg90His (NM_001257342.2, NM_001257343.2, NM_001257344.2 and 10 more transcripts); c.-208G>A (NM_001371453.1, NM_001371454.1, NM_001371455.1 and 2 more transcripts); c.-40-150G>A (NM_001371451.1, NM_001318836.2); c.-41-503G>A (NM_001371452.1); short protein forms R90H.
Identifiers: ClinVar variation 214165 (VCV000214165.8), dbSNP rs747956412, ClinGen allele CA322460.
Genomic context (GRCh38, chr2:218,661,256, plus strand): 5'-ACAGTACCCGTACTCAGCACCTCAGTGTCGAGACTTCGTACCTTCAGCATGAGAGTGGCC[G>A]CATTTCCACTAAGTTTGAATTTGTCCCCAGCCCTGGAAACCATTTTATCTGGTAAGGTGG-3'
Protein context (NP_001073335.1, residues 80-100): ETSYLQHESG[Arg90His]ISTKFEFVPS